The following is an entry in ClinVar:

ClinVar aggregate classification (germline): Uncertain significance. Review status: criteria provided, multiple submitters, no conflicts (2 of 4 stars). 2 submissions from 2 submitters: Uncertain significance (2). Last evaluated 2024-10-23.

Conditions:
Dilated cardiomyopathy 1G (CMD1G). Identifiers: Orphanet 154, MedGen C1858763, MONDO:0011400, OMIM 604145.
Autosomal recessive limb-girdle muscular dystrophy type 2J (LGMDR10). Also called: Limb-girdle muscular dystrophy, type 2J; MUSCULAR DYSTROPHY, LIMB-GIRDLE, AUTOSOMAL RECESSIVE 10. Identifiers: Orphanet 140922, MedGen C1837342, MONDO:0012127, OMIM 608807.

gnomAD v4.1: 1 of 1,571,310 alleles (0.000064%); highest among the groups gnomAD compares: Non-Finnish European, 0.000086%; no homozygotes.

Submissions (2):

Labcorp Genetics (formerly Invitae), Labcorp
Classification: Uncertain significance for Dilated cardiomyopathy 1G; Autosomal recessive limb-girdle muscular dystrophy type 2J. Last evaluated: 2024-10-23. Review status: criteria provided, single submitter. Criteria: Invitae Variant Classification Sherloc (09022015). Collection method: clinical testing. Allele origin: germline.
Comment: This sequence change replaces glutamic acid, which is acidic and polar, with lysine, which is basic and polar, at codon 16254 of the TTN protein (p.Glu16254Lys). This variant also falls at the last nucleotide of exon 260, which is part of the consensus splice site for this exon. This variant is not present in population databases (gnomAD no frequency). This variant has not been reported in the literature in individuals affected with TTN-related conditions. Experimental studies and prediction algorithms are not available or were not evaluated, and the functional significance of this variant is currently unknown. Variants that disrupt the consensus splice site are a relatively common cause of aberrant splicing (PMID: 17576681, 9536098). Algorithms developed to predict the effect of sequence changes on RNA splicing suggest that this variant may disrupt the consensus splice site. This variant is located in the A band of TTN (PMID: 25589632). Variants in this region may be relevant for cardiac or neuromuscular disorders (PMID: 25589632, 23975875). In summary, the available evidence is currently insufficient to determine the role of this variant in disease. Therefore, it has been classified as a Variant of Uncertain Significance.

Blueprint Genetics
Classification: Uncertain significance. Last evaluated: 2018-11-26. Review status: criteria provided, single submitter. Criteria: ACMG Guidelines, 2015. Collection method: clinical testing. Allele origin: germline.

Literature cited by the submitters: PubMed 17576681 (cited by Labcorp Genetics (formerly Invitae), Labcorp); PubMed 9536098 (cited by Labcorp Genetics (formerly Invitae), Labcorp); PubMed 25589632 (cited by Labcorp Genetics (formerly Invitae), Labcorp); PubMed 23975875 (cited by Labcorp Genetics (formerly Invitae), Labcorp).

NM_001267550.2(TTN):c.48760G>A (p.Glu16254Lys)

Genes: TTN (titin; minus strand), TTN-AS1 (TTN antisense RNA 1; plus strand), LOC126806426 (BRD4-independent group 4 enhancer GRCh37_chr2:179478848-179480047; plus strand). Cytogenetic location: 2q31.2.
Variant type: single nucleotide variant.
Coding change: c.48760G>A on transcript NM_001267550.2 (MANE Select); coding-DNA position 48760, G replaced by A.
Protein change: p.Glu16254Lys; replaces glutamic acid 16254 with lysine.
Molecular consequence: missense variant.
Genome position (GRCh38, 1-based): chr2:178,614,847, C>T on the plus strand (G>A on the coding strand, the complement: TTN is on the minus strand). VCF-style: chr2-178614847-C-T. GRCh37 (hg19) VCF-style: chr2-179479574-C-T.
Other names: c.43837G>A, p.Glu14613Lys (NM_001256850.1); c.21565G>A, p.Glu7189Lys (NM_003319.4); c.41056G>A, p.Glu13686Lys (NM_133378.4); c.21940G>A, p.Glu7314Lys (NM_133432.3); c.22141G>A, p.Glu7381Lys (NM_133437.4); short protein forms E13686K, E14613K, E16254K, E7189K, E7314K, E7381K.
Identifiers: ClinVar variation 3748153 (VCV003748153.3).
Genomic context (GRCh38, chr2:178,614,847, plus strand): 5'-AGTTCAAGCAGATTTAAGGTCAGAGGCCTATTTGATAAGACAAAAATCAAAAATAGATAC[C>T]TTGTGTGTCCACAGCCTGGATTTCCTCTGTGGGTCTGCTTGGTTTGCTAGCACCCTGCCT-3'
Protein context (NP_001254479.2, residues 16244-16264): TEEIQAVDTQ[Glu16254Lys]APEIFLDVKL